The following is an entry in ClinVar:

NM_001267550.2(TTN):c.100239G>A (p.Trp33413Ter)

Genes: TTN-AS1 (TTN antisense RNA 1; plus strand), TTN (titin; minus strand), LOC126806420 (BRD4-independent group 4 enhancer GRCh37_chr2:179401104-179402303; plus strand). Cytogenetic location: 2q31.2.
Variant type: single nucleotide variant.
Coding change: c.100239G>A on transcript NM_001267550.2 (MANE Select); coding-DNA position 100239, G replaced by A.
Protein change: p.Trp33413Ter; replaces tryptophan 33413 with a stop codon.
Molecular consequence: nonsense.
Genome position (GRCh38, 1-based): chr2:178,536,508, C>T on the plus strand (G>A on the coding strand, the complement: TTN is on the minus strand). VCF-style: chr2-178536508-C-T. GRCh37 (hg19) VCF-style: chr2-179401235-C-T.
Other names: c.95316G>A, p.Trp31772Ter (NM_001256850.1); c.73044G>A, p.Trp24348Ter (NM_003319.4); c.92535G>A, p.Trp30845Ter (NM_133378.4); c.73419G>A, p.Trp24473Ter (NM_133432.3); c.73620G>A, p.Trp24540Ter (NM_133437.4); short protein forms W24348*, W24473*, W24540*, W30845*, W31772*, W33413*.
Identifiers: ClinVar variation 1678359 (VCV001678359.3), dbSNP rs1575311499, ClinGen allele CA349426459.

ClinVar aggregate classification (germline): Likely pathogenic. Review status: criteria provided, multiple submitters, no conflicts (2 of 4 stars). 3 submissions from 3 submitters: Likely pathogenic (2). 1 of the submissions does not count toward it. Last evaluated 2025-11-10.

Conditions:
Dilated cardiomyopathy 1G (CMD1G). Identifiers: Orphanet 154, MedGen C1858763, MONDO:0011400, OMIM 604145.
Autosomal recessive limb-girdle muscular dystrophy type 2J (LGMDR10). Also called: Limb-girdle muscular dystrophy, type 2J; MUSCULAR DYSTROPHY, LIMB-GIRDLE, AUTOSOMAL RECESSIVE 10. Identifiers: Orphanet 140922, MedGen C1837342, MONDO:0012127, OMIM 608807.

Submissions (3):

Labcorp Genetics (formerly Invitae), Labcorp
Classification: Likely pathogenic for Dilated cardiomyopathy 1G; Autosomal recessive limb-girdle muscular dystrophy type 2J. Last evaluated: 2025-11-10. Review status: criteria provided, single submitter. Criteria: Invitae Variant Classification Sherloc (09022015). Collection method: clinical testing. Allele origin: germline.
Comment: This sequence change creates a premature translational stop signal (p.Trp33413*) in the TTN gene. While this is not anticipated to result in nonsense mediated decay, it is expected to create a truncated TTN protein. This variant is not present in population databases (gnomAD no frequency). This premature translational stop signal has been observed in individual(s) with cardiomyopathy (PMID: 39844436). ClinVar contains an entry for this variant (Variation ID: 1678359). This variant is located in the A band of TTN (PMID: 25589632). Truncating variants in this region are significantly overrepresented in patients affected with dilated cardiomyopathy (PMID: 25589632). Truncating variants in this region have also been reported in individuals affected with autosomal recessive centronuclear myopathy (PMID: 23975875). In summary, the currently available evidence indicates that the variant is pathogenic, but additional data are needed to prove that conclusively. Therefore, this variant has been classified as Likely Pathogenic.

AiLife Diagnostics
Classification: Likely pathogenic. Last evaluated: 2021-03-19. Review status: criteria provided, single submitter. Criteria: ACMG Guidelines, 2015. Collection method: clinical testing. Allele origin: germline. Affected: yes. Observed: 1 variant allele.

Cardiogenetics and Myogenetics Molecular and Cellular Functional Unit, Aphp Sorbonne University-Hopital Pitie Salpetriere
Classification: Likely pathogenic for Dilated cardiomyopathy 1G. Last evaluated: 2024-01-06. Review status: no assertion criteria provided. Collection method: clinical testing. Allele origin: germline. Affected: yes. Not counted in ClinVar's aggregate classification.

Literature cited by the submitters: PubMed 39844436 (cited by Labcorp Genetics (formerly Invitae), Labcorp); PubMed 25589632 (cited by Labcorp Genetics (formerly Invitae), Labcorp); PubMed 23975875 (cited by Labcorp Genetics (formerly Invitae), Labcorp).